The following is an entry in ClinVar:

NM_004840.3(ARHGEF6):c.1271G>T (p.Arg424Ile)

Gene: ARHGEF6 (Rac/Cdc42 guanine nucleotide exchange factor 6; minus strand). Cytogenetic location: Xq26.3.
Variant type: single nucleotide variant.
Coding change: c.1271G>T on transcript NM_004840.3 (MANE Select); coding-DNA position 1271, G replaced by T.
Protein change: p.Arg424Ile; replaces arginine 424 with isoleucine.
Molecular consequence: missense variant.
Genome position (GRCh38, 1-based): chrX:136,685,798, C>A on the plus strand (G>T on the coding strand, the complement: ARHGEF6 is on the minus strand). VCF-style: chrX-136685798-C-A. GRCh37 (hg19) VCF-style: chrX-135767957-C-A.
Other names: c.809G>T, p.Arg270Ile (NM_001306177.2); short protein forms R424I, R270I.
Identifiers: ClinVar variation 423099 (VCV000423099.3), dbSNP rs1064796226, ClinGen allele CA16621211.
Genomic context (GRCh38, chrX:136,685,798, plus strand): 5'-ATATCTTCTCCTTCCCATGCCTGAATAGGTTCGGACAGTATCTGTAACTCCAGCTGTTTT[C>A]TCTTCCTCAGATCTTGACATTGCCCCTACAGAACCAAAGCAGAACATAATGGAATAGGAA-3'
Protein context (NP_004831.1, residues 414-434): LMGQCQDLRK[Arg424Ile]KQLELQILSE

ClinVar aggregate classification (germline): Uncertain significance (1 of 4 stars; one submission).

Submission:

GeneDx
Classification: Uncertain significance. Last evaluated: 2026-02-06. Review status: criteria provided, single submitter. Criteria: GeneDx Variant Classification Process June 2021. Collection method: clinical testing. Allele origin: germline. Affected: yes.
Comment: Not observed at significant frequency in large population cohorts (gnomAD); In silico analysis supports that this missense variant has a deleterious effect on protein structure/function; Has not been previously published as pathogenic or benign to our knowledge; Variants in candidate genes are classified as variants of uncertain significance in accordance with ACMG guidelines (PMID: 25741868)